The following is an entry in ClinVar:

NM_001365088.1(SLC12A6):c.2662C>G (p.Leu888Val)

Gene: SLC12A6 (solute carrier family 12 member 6; minus strand). Cytogenetic location: 15q14.
Variant type: single nucleotide variant.
Coding change: c.2662C>G on transcript NM_001365088.1 (MANE Select); coding-DNA position 2662, C replaced by G.
Protein change: p.Leu888Val; replaces leucine 888 with valine.
Molecular consequence: missense variant.
Genome position (GRCh38, 1-based): chr15:34,238,372, G>C on the plus strand (C>G on the coding strand, the complement: SLC12A6 is on the minus strand). VCF-style: chr15-34238372-G-C. GRCh37 (hg19) VCF-style: chr15-34530573-G-C.
Other names: c.2485C>G, p.Leu829Val (NM_001042494.2, NM_001042495.2); c.2635C>G, p.Leu879Val (NM_001042496.2); c.2617C>G, p.Leu873Val (NM_001042497.2); c.2509C>G, p.Leu837Val (NM_005135.2); c.2662C>G, p.Leu888Val (NM_133647.2); short protein forms L888V, L829V, L837V, L873V, L879V.
Identifiers: ClinVar variation 3688854 (VCV003688854.3).
Genomic context (GRCh38, chr15:34,238,372, plus strand): 5'-CAGAAAATTGCTCCACATTGCTGGGAAAGAAGGAGATGTTTTTAGCCACCAGCAGTGCAA[G>C]ATGGGCAGCAGTTGTCACTCGAACTGTGCCTAGGGAGAAAAAAGAATAAGCAGAGAAGAA-3'
Protein context (NP_001352017.1, residues 878-898): GTVRVTTAAH[Leu888Val]ALLVAKNISF

ClinVar aggregate classification (germline): Uncertain significance. Review status: criteria provided, multiple submitters, no conflicts (2 of 4 stars). 2 submissions from 2 submitters: Uncertain significance (2). Last evaluated 2026-02-17.

Conditions:
Inborn genetic diseases. Identifiers: MedGen C0950123, MeSH D030342.

gnomAD v4.1: 13 of 1,613,932 alleles (0.00081%); highest among the groups gnomAD compares: Non-Finnish European, 0.0011%; no homozygotes.

Submissions (2):

Ambry Genetics
Classification: Uncertain significance for Inborn genetic diseases. Last evaluated: 2026-02-17. Review status: criteria provided, single submitter. Criteria: Ambry Variant Classification Scheme 2023. Collection method: clinical testing. Allele origin: germline.

Labcorp Genetics (formerly Invitae), Labcorp
Classification: Uncertain significance. Last evaluated: 2025-03-24. Review status: criteria provided, single submitter. Criteria: Invitae Variant Classification Sherloc (09022015). Collection method: clinical testing. Allele origin: germline.
Comment: This sequence change replaces leucine, which is neutral and non-polar, with valine, which is neutral and non-polar, at codon 888 of the SLC12A6 protein (p.Leu888Val). This variant is not present in population databases (gnomAD no frequency). This variant has not been reported in the literature in individuals affected with SLC12A6-related conditions. Invitae Evidence Modeling of protein sequence and biophysical properties (such as structural, functional, and spatial information, amino acid conservation, physicochemical variation, residue mobility, and thermodynamic stability) indicates that this missense variant is not expected to disrupt SLC12A6 protein function with a negative predictive value of 80%. In summary, the available evidence is currently insufficient to determine the role of this variant in disease. Therefore, it has been classified as a Variant of Uncertain Significance.